The following is an entry in ClinVar:

ClinVar aggregate classification (germline): Uncertain significance (1 of 4 stars; one submission).

Conditions:
Gnathodiaphyseal dysplasia (GDD). Also called: GNATHODIAPHYSEAL SCLEROSIS; OSTEOGENESIS IMPERFECTA WITH UNUSUAL SKELETAL LESIONS. Identifiers: Orphanet 53697, MedGen C1833736, MONDO:0008151, OMIM 166260.
Autosomal recessive limb-girdle muscular dystrophy type 2L (LGMDR12). Also called: MUSCULAR DYSTROPHY, LIMB-GIRDLE, AUTOSOMAL RECESSIVE 12; Limb-girdle muscular dystrophy, type 2L; Limb-Girdle Muscular Dystrophy R12 Anoctamin-5-Related (LGMD-R12). Identifiers: Orphanet 206549, MedGen C1969785, MONDO:0012652, OMIM 611307.

Allele frequency attached by ClinVar (database versions not stated): TOPMed 0.00001; ExAC 0.00002; gnomAD exomes 0.00002.
gnomAD v4.1: 23 of 1,611,992 alleles (0.0014%); highest among the groups gnomAD compares: East Asian, 0.04%; no homozygotes.

Submission:

Labcorp Genetics (formerly Invitae), Labcorp
Classification: Uncertain significance for Autosomal recessive limb-girdle muscular dystrophy type 2L; Gnathodiaphyseal dysplasia. Last evaluated: 2022-10-18. Review status: criteria provided, single submitter. Criteria: Invitae Variant Classification Sherloc (09022015). Collection method: clinical testing. Allele origin: germline.
Comment: This sequence change replaces methionine, which is neutral and non-polar, with threonine, which is neutral and polar, at codon 46 of the ANO5 protein (p.Met46Thr). In summary, the available evidence is currently insufficient to determine the role of this variant in disease. Therefore, it has been classified as a Variant of Uncertain Significance. Algorithms developed to predict the effect of missense changes on protein structure and function output the following: SIFT: "Tolerated"; PolyPhen-2: "Benign"; Align-GVGD: "Class C0". The threonine amino acid residue is found in multiple mammalian species, which suggests that this missense change does not adversely affect protein function. This variant has not been reported in the literature in individuals affected with ANO5-related conditions. This variant is present in population databases (rs763119837, gnomAD 0.01%).

NM_213599.3(ANO5):c.137T>C (p.Met46Thr)

Gene: ANO5 (anoctamin 5; plus strand). Cytogenetic location: 11p14.3.
Variant type: single nucleotide variant.
Coding change: c.137T>C on transcript NM_213599.3 (MANE Select); coding-DNA position 137, T replaced by C.
Protein change: p.Met46Thr; replaces methionine 46 with threonine.
Molecular consequence: missense variant.
Genome position (GRCh38, 1-based): chr11:22,211,313, T>C. VCF-style: chr11-22211313-T-C. GRCh37 (hg19) VCF-style: chr11-22232859-T-C.
Other names: c.134T>C, p.Met45Thr (NM_001142649.2, NM_001410964.1); c.137T>C, p.Met46Thr (NM_001410963.1); short protein forms M46T, M45T.
Identifiers: ClinVar variation 2055302 (VCV002055302.4), dbSNP rs763119837, ClinGen allele CA5922790.